The following is an entry in ClinVar:

NM_001321075.3(DLG4):c.436C>T (p.Leu146Phe)

Gene: DLG4 (discs large MAGUK scaffold protein 4; minus strand). Cytogenetic location: 17p13.1.
Variant type: single nucleotide variant.
Coding change: c.436C>T on transcript NM_001321075.3 (MANE Select); coding-DNA position 436, C replaced by T.
Protein change: p.Leu146Phe; replaces leucine 146 with phenylalanine.
Molecular consequence: missense variant. On other transcripts: non-coding transcript variant (1).
Genome position (GRCh38, 1-based): chr17:7,203,493, G>A on the plus strand (C>T on the coding strand, the complement: DLG4 is on the minus strand). VCF-style: chr17-7203493-G-A. GRCh37 (hg19) VCF-style: chr17-7106812-G-A.
Other names: c.427C>T, p.Leu143Phe (NM_001128827.4); c.556C>T, p.Leu186Phe (NM_001321074.1); c.256C>T, p.Leu86Phe (NM_001321076.3, NM_001321077.3); c.565C>T, p.Leu189Phe (NM_001365.5); c.355C>T, p.Leu119Phe (NM_001369566.3); short protein forms L119F, L143F, L146F, L186F, L189F, L86F.
Identifiers: ClinVar variation 5037293 (VCV005037293.1).
Genomic context (GRCh38, chr17:7,203,493, plus strand): 5'-CCTTGATGAGCTTGATCTCCATGACCTTCTCAGCCGGGGGCTTCCGGCGCATGACATAGA[G>A]GCGAACGATGGAGCCTGCCTCTTTGAGGGCTTCCACCGCCGCTGAGTGGGTCACCTCGCG-3'
Protein context (NP_001308004.1, residues 136-156): ALKEAGSIVR[Leu146Phe]YVMRRKPPAE

ClinVar aggregate classification (germline): Uncertain significance (1 of 4 stars; one submission).

Submission:

GeneDx
Classification: Uncertain significance. Last evaluated: 2026-04-26. Review status: criteria provided, single submitter. Criteria: GeneDx Variant Classification Process June 2021. Collection method: clinical testing. Allele origin: germline.
Comment: Not observed at significant frequency in large population cohorts (gnomAD); In silico analysis supports that this missense variant has a deleterious effect on protein structure/function; Has not been previously published as pathogenic or benign to our knowledge